The following is an entry in ClinVar:

NM_004656.4(BAP1):c.1204G>A (p.Glu402Lys)

Gene: BAP1 (BRCA1 associated deubiquitinase 1; minus strand). Cytogenetic location: 3p21.1.
Variant type: single nucleotide variant.
Coding change: c.1204G>A on transcript NM_004656.4 (MANE Select); coding-DNA position 1204, G replaced by A.
Protein change: p.Glu402Lys; replaces glutamic acid 402 with lysine.
Molecular consequence: missense variant.
Genome position (GRCh38, 1-based): chr3:52,404,499, C>T on the plus strand (G>A on the coding strand, the complement: BAP1 is on the minus strand). VCF-style: chr3-52404499-C-T. GRCh37 (hg19) VCF-style: chr3-52438515-C-T.
Other names: c.1150G>A, p.Glu384Lys (NM_001410772.1); short protein forms E384K, E402K.
Identifiers: ClinVar variation 4194644 (VCV004194644.1).

ClinVar aggregate classification (germline): Uncertain significance (1 of 4 stars; one submission).

Conditions:
Hereditary cancer-predisposing syndrome. Also called: Neoplastic Syndromes, Hereditary; Tumor predisposition; Hereditary Cancer Syndrome; Hereditary neoplastic syndrome. Identifiers: Orphanet 140162, MedGen C0027672, MeSH D009386, MONDO:0015356.

Submission:

Ambry Genetics
Classification: Uncertain significance for Hereditary cancer-predisposing syndrome. Last evaluated: 2025-08-01. Review status: criteria provided, single submitter. Criteria: Ambry Variant Classification Scheme 2023. Collection method: clinical testing. Allele origin: germline.
Comment: The p.E402K variant (also known as c.1204G>A), located in coding exon 12 of the BAP1 gene, results from a G to A substitution at nucleotide position 1204. The glutamic acid at codon 402 is replaced by lysine, an amino acid with similar properties. This amino acid position is conserved. In addition, this alteration is predicted to be tolerated by in silico analysis. Based on the available evidence, the clinical significance of this variant remains unclear.